The following is an entry in ClinVar:

NM_014915.3(ANKRD26):c.3251G>C (p.Arg1084Thr)

Gene: ANKRD26 (ankyrin repeat domain 26; minus strand). Cytogenetic location: 10p12.1.
Variant type: single nucleotide variant.
Coding change: c.3251G>C on transcript NM_014915.3 (MANE Select); coding-DNA position 3251, G replaced by C.
Protein change: p.Arg1084Thr; replaces arginine 1084 with threonine.
Molecular consequence: missense variant.
Genome position (GRCh38, 1-based): chr10:27,035,199, C>G on the plus strand (G>C on the coding strand, the complement: ANKRD26 is on the minus strand). VCF-style: chr10-27035199-C-G. GRCh37 (hg19) VCF-style: chr10-27324128-C-G.
Other names: c.3248G>C, p.Arg1083Thr (NM_001256053.2); short protein forms R1083T, R1084T.
Identifiers: ClinVar variation 4859718 (VCV004859718.1).

ClinVar aggregate classification (germline): Uncertain significance (1 of 4 stars; one submission).

Conditions:
Inborn genetic diseases. Identifiers: MedGen C0950123, MeSH D030342.

Submission:

Ambry Genetics
Classification: Uncertain significance for Inborn genetic diseases. Last evaluated: 2026-05-14. Review status: criteria provided, single submitter. Criteria: Ambry Variant Classification Scheme 2023. Collection method: clinical testing. Allele origin: germline.
Comment: The p.R1084T variant (also known as c.3251G>C), located in coding exon 24 of the ANKRD26 gene, results from a G to C substitution at nucleotide position 3251. The arginine at codon 1084 is replaced by threonine, an amino acid with similar properties. This amino acid position is conserved. In addition, this alteration is predicted to be tolerated by in silico analysis. Based on the available evidence, the clinical significance of this variant remains unclear.